The following is an entry in ClinVar:

ClinVar aggregate classification (germline): Uncertain significance (1 of 4 stars; one submission).

gnomAD v4.1: 1 of 1,595,966 alleles (0.000063%); highest among the groups gnomAD compares: East Asian, 0.0023%; no homozygotes.

Submission:

Dasa
Classification: Uncertain significance. Last evaluated: 2026-06-21. Review status: criteria provided, single submitter. Criteria: DASA Assertion Criteria. Collection method: clinical testing. Allele origin: germline.
Comment: NM_004522.3(KIF5C):c.2692C>A (p.Gln898Lys) is a missense variant that results in the substitution of glutamine with lysine. This variant is rare in population databases. The currently available literature and clinical evidence are not sufficient to establish a definitive association between this variant and the reported condition. Therefore, this variant is classified as a variant of uncertain significance.

NM_004522.3(KIF5C):c.2692C>A (p.Gln898Lys)

Gene: KIF5C (kinesin family member 5C; plus strand). Cytogenetic location: 2q23.2.
Variant type: single nucleotide variant.
Coding change: c.2692C>A on transcript NM_004522.3 (MANE Select); coding-DNA position 2692, C replaced by A.
Protein change: p.Gln898Lys; replaces glutamine 898 with lysine.
Molecular consequence: missense variant. On other transcripts: non-coding transcript variant (1).
Genome position (GRCh38, 1-based): chr2:149,010,276, C>A. VCF-style: chr2-149010276-C-A. GRCh37 (hg19) VCF-style: chr2-149866790-C-A.
Other names: short protein forms Q898K.
Identifiers: ClinVar variation 5020329 (VCV005020329.1).
Genomic context (GRCh38, chr2:149,010,276, plus strand): 5'-GCTCTGGAGAGCGCGCTGAAGGAGGCCAAGGAGAACGCCATGCGGGACCGTAAGCGCTAC[C>A]AGCAGGAGGTGGATCGTATCAAGGAGGCCGTGCGGGCCAAGAACATGGCCAGAAGGGCCC-3'
Protein context (NP_004513.1, residues 888-908): ENAMRDRKRY[Gln898Lys]QEVDRIKEAV